The following is an entry in ClinVar:

NM_005585.5(SMAD6):c.1A>G (p.Met1Val)

Gene: SMAD6 (SMAD family member 6; plus strand). Cytogenetic location: 15q22.31.
Variant type: single nucleotide variant.
Coding change: c.1A>G on transcript NM_005585.5 (MANE Select); coding-DNA position 1, A replaced by G.
Protein change: p.Met1Val; changes the start codon (methionine 1).
Molecular consequence: missense variant, initiator codon variant. On other transcripts: non-coding transcript variant (1).
Genome position (GRCh38, 1-based): chr15:66,703,259, A>G. VCF-style: chr15-66703259-A-G. GRCh37 (hg19) VCF-style: chr15-66995597-A-G.
Other names: short protein forms M1V.
Identifiers: ClinVar variation 1969933 (VCV001969933.6), dbSNP rs2545310139, ClinGen allele CA392948210.
Genomic context (GRCh38, chr15:66,703,259, plus strand): 5'-AACGGACCCCCGGTAACCGGAGACCGCCTCCCCCCCACCCCTGGCGCCAAAGGATATCGT[A>G]TGTTCAGGTCCAAACGCTCGGGGCTGGTGCGGCGACTTTGGCGAAGTCGTGTGGTCCCCG-3'
Protein context (NP_005576.3, residues 1-11): [Met1Val]FRSKRSGLVR

ClinVar aggregate classification (germline): Uncertain significance (1 of 4 stars; one submission).

Conditions:
Aortic valve disease 2 (AOVD2). Identifiers: MedGen C3542024, MONDO:0013902, OMIM 614823.

Submission:

Labcorp Genetics (formerly Invitae), Labcorp
Classification: Uncertain significance for Aortic valve disease 2. Last evaluated: 2022-03-16. Review status: criteria provided, single submitter. Criteria: Invitae Variant Classification Sherloc (09022015). Collection method: clinical testing. Allele origin: germline.
Comment: In summary, the available evidence is currently insufficient to determine the role of this variant in disease. Therefore, it has been classified as a Variant of Uncertain Significance. Experimental studies and prediction algorithms are not available or were not evaluated, and the functional significance of this variant is currently unknown. Disruption of the initiator codon has been observed in individual(s) with craniosynostosis (PMID: 28808027). This variant is not present in population databases (gnomAD no frequency). This sequence change affects the initiator methionine of the SMAD6 mRNA. The next in-frame methionine is located at codon 93.

Literature cited by the submitters: PubMed 28808027.